The following is an entry in ClinVar:

NM_004963.4(GUCY2C):c.1605G>A (p.Lys535=)

Gene: GUCY2C (guanylate cyclase 2C; minus strand). Cytogenetic location: 12p12.3.
Variant type: single nucleotide variant.
Coding change: c.1605G>A on transcript NM_004963.4 (MANE Select); coding-DNA position 1605, G replaced by A.
Protein change: p.Lys535=; no amino-acid change (lysine 535 retained).
Molecular consequence: synonymous variant.
Genome position (GRCh38, 1-based): chr12:14,651,959, C>T on the plus strand (G>A on the coding strand, the complement: GUCY2C is on the minus strand). VCF-style: chr12-14651959-C-T. GRCh37 (hg19) VCF-style: chr12-14804893-C-T.
Identifiers: ClinVar variation 4798482 (VCV004798482.1).

ClinVar aggregate classification (germline): Uncertain significance (1 of 4 stars; one submission).

gnomAD v4.1: 3 of 1,533,290 alleles (0.0002%); highest among the groups gnomAD compares: Non-Finnish European, 0.00018%; no homozygotes.

Submission:

Labcorp Genetics (formerly Invitae), Labcorp
Classification: Uncertain significance. Last evaluated: 2025-04-23. Review status: criteria provided, single submitter. Criteria: Invitae Variant Classification Sherloc (09022015). Collection method: clinical testing. Allele origin: germline.
Comment: This sequence change affects codon 535 of the GUCY2C mRNA. It is a 'silent' change, meaning that it does not change the encoded amino acid sequence of the GUCY2C protein. This variant also falls at the last nucleotide of exon 14, which is part of the consensus splice site for this exon. This variant is not present in population databases (gnomAD no frequency). This variant has not been reported in the literature in individuals affected with GUCY2C-related conditions. Variants that disrupt the consensus splice site are a relatively common cause of aberrant splicing (PMID: 17576681, 9536098). Algorithms developed to predict the effect of sequence changes on RNA splicing suggest that this variant may disrupt the consensus splice site. In summary, the available evidence is currently insufficient to determine the role of this variant in disease. Therefore, it has been classified as a Variant of Uncertain Significance.

Literature cited by the submitters: PubMed 17576681; PubMed 9536098.